The following is an entry in ClinVar:

NM_000545.8(HNF1A):c.794A>G (p.Tyr265Cys)

Gene: HNF1A (HNF1 homeobox A; plus strand). Cytogenetic location: 12q24.31.
Variant type: single nucleotide variant.
Coding change: c.794A>G on transcript NM_000545.8 (MANE Select); coding-DNA position 794, A replaced by G.
Protein change: p.Tyr265Cys; replaces tyrosine 265 with cysteine.
Molecular consequence: missense variant.
Genome position (GRCh38, 1-based): chr12:120,994,244, A>G. VCF-style: chr12-120994244-A-G. GRCh37 (hg19) VCF-style: chr12-121432047-A-G.
Other names: NM_000545.8(HNF1A):c.794A>G; p.Tyr265Cys; c.794A>G, p.Tyr265Cys (NM_001306179.2); short protein forms Y265C.
Identifiers: ClinVar variation 1338571 (VCV001338571.8), dbSNP rs1555212006, ClinGen allele CA386966196.

ClinVar aggregate classification (germline): Uncertain significance. Review status: reviewed by expert panel (3 of 4 stars). 4 submissions from 4 submitters: Uncertain significance (1). 3 of the submissions do not count toward it. Last evaluated 2025-07-24.

Conditions:
Monogenic diabetes. Identifiers: Orphanet 183625, MedGen C3888631, MONDO:0015967.
Maturity-onset diabetes of the young type 3. Also called: MODY type 3; MODY, type III. Identifiers: Orphanet 552, MedGen C1838100, MeSH C563933, MONDO:0010894, OMIM 600496. Disease mechanism: loss of function.

Submissions (4):

ClinGen Monogenic Diabetes Variant Curation Expert Panel
Classification: Uncertain significance for Monogenic diabetes. Last evaluated: 2025-07-24. Review status: reviewed by expert panel. Criteria: ClinGen Diabetes ACMG Specifications HNF1A V3.0.0. Collection method: curation. Allele origin: germline. Inheritance: Autosomal dominant inheritance.
Comment: The c.794A>G variant in the HNF1 homeobox A gene, HNF1A, causes an amino acid change of tyrosine to cysteine at codon 265 (p.(Tyr265Cys)) of NM_000545.8. This variant resides in an amino acid within the HNF1α DNA binding domain that directly binds DNA, which is defined as critical for the protein’s function by the ClinGen MDEP (PM1). This variant also is predicted to be deleterious by computational evidence, with a REVEL score of 0.941, which is greater than the MDEP VCEP threshold of 0.70 (PP3). This variant is absent from gnomAD v2.1.1 and v4.1.0 (PM2_Supporting). This variant was identified in two unrelated individuals with non-autoimmune and non-absolute/near-absolute insulin-deficient diabetes; however, PS4_Moderate cannot be applied because this number is below the ClinGen MDEP threshold, and PP4 does not apply as the calculated MODY probability is <50% (PMID: 30663027, 36189138). Another missense variant, c.794A>C (p.Tyr265Ser), has been classified as a VUS by the ClinGen MDEP; therefore, PM5 will not be applied. In summary, c.794A>G meets the criteria to be classified as a variant of uncertain significance for monogenic diabetes. ACMG/AMP criteria applied, as specified by the ClinGen MDEP (specification version 3.0.0, approved 6/30/2025): PM1, PP3, PM2_Supporting.

GeneDx
Classification: Likely pathogenic. Last evaluated: 2023-07-12. Review status: criteria provided, single submitter. Criteria: GeneDx Variant Classification Process June 2021. Collection method: clinical testing. Allele origin: germline. Affected: yes. Not counted in ClinVar's aggregate classification.
Comment: Not observed at significant frequency in large population cohorts (gnomAD); In silico analysis supports that this missense variant has a deleterious effect on protein structure/function; This variant is associated with the following publications: (PMID: 12453420, 18003757, 30663027)

Genetic Services Laboratory, University of Chicago
Classification: Likely pathogenic. Last evaluated: 2020-09-29. Review status: criteria provided, single submitter. Criteria: ACMG Guidelines, 2015. Collection method: clinical testing. Allele origin: germline. Affected: yes. Not counted in ClinVar's aggregate classification.
Comment: DNA sequence analysis of the HNF1A gene demonstrated a sequence change, c.794A>G, in exon 4 that results in an amino acid change, p.Tyr265Cys. This sequence change has been previously described in a patient with pre gestational diabetes mellitus who also carried another previously reported missense variant, c.862G>T, in the same gene (PMID: 30663027). This sequence change is absent from the large population databases (ExAC and gnomAD). The p.Tyr265Cys change affects a highly conserved amino acid residue located in a homeobox domain of the HNF1A protein that is known to be functional. The p.Tyr265Cys substitution appears to be deleterious using several in-silico pathogenicity prediction tools (SIFT, PolyPhen2, Align GVGD, REVEL).

Department of Endocrinology, Bangladesh Medical University
Classification: Uncertain significance for Maturity-onset diabetes of the young type 3. Review status: no assertion criteria provided. Collection method: research. Allele origin: germline. Inheritance: Autosomal dominant inheritance. Affected: yes. Observed: 1 variant allele, 1 heterozygote. Not counted in ClinVar's aggregate classification.
Comment: We observed the c.794A>G variant, which results in the replacement of Tyrosine with cysteine at amino acid position 265 (p. Tyr265Cys). Since codon 265 is located within the DNA-binding domain of HNF1A, the substitution of tyrosine with cysteine represents a non-conservative change that may alter the physicochemical properties at this position. Tyrosine, being a bulky aromatic residue, often contributes to stabilizing interactions with DNA, whereas cysteine is smaller and contains a reactive thiol group. This difference in side-chain structure and chemistry could potentially impair the ability of HNF1A to bind DNA effectively. In silico analysis supports that this missense variant has a deleterious effect on protein structure/function; This variant is associated with the following publications: (PMID: 12453420, 18003757, 30663027)

Literature cited by the submitters: PubMed 30663027 (cited by ClinGen Monogenic Diabetes Variant Curation Expert Panel and Department of Endocrinology, Bangladesh Medical University); PubMed 36189138 (cited by ClinGen Monogenic Diabetes Variant Curation Expert Panel); PubMed 18003757 (cited by Department of Endocrinology, Bangladesh Medical University); PubMed 12453420 (cited by Department of Endocrinology, Bangladesh Medical University).